The following is an entry in ClinVar:

ClinVar aggregate classification (germline): Likely pathogenic (1 of 4 stars; one submission).

Conditions:
Autosomal recessive limb-girdle muscular dystrophy type 2J (LGMDR10). Also called: Limb-girdle muscular dystrophy, type 2J; MUSCULAR DYSTROPHY, LIMB-GIRDLE, AUTOSOMAL RECESSIVE 10. Identifiers: Orphanet 140922, MedGen C1837342, MONDO:0012127, OMIM 608807.
Dilated cardiomyopathy 1G (CMD1G). Identifiers: Orphanet 154, MedGen C1858763, MONDO:0011400, OMIM 604145.

Submission:

Labcorp Genetics (formerly Invitae), Labcorp
Classification: Likely pathogenic for Dilated cardiomyopathy 1G; Autosomal recessive limb-girdle muscular dystrophy type 2J. Last evaluated: 2025-07-27. Review status: criteria provided, single submitter. Criteria: Invitae Variant Classification Sherloc (09022015). Collection method: clinical testing. Allele origin: germline.
Comment: This sequence change creates a premature translational stop signal (p.Lys3912Argfs*7) in the TTN gene. While this is not anticipated to result in nonsense mediated decay, it is expected to create a truncated TTN protein. This variant is not present in population databases (gnomAD no frequency). This variant has not been reported in the literature in individuals affected with TTN-related conditions. This variant is located in the I band of TTN (PMID: 25589632). Truncating variants in this region have been reported in individuals affected with autosomal recessive centronuclear myopathy (PMID: 23975875, internal data). Truncating variants in this region have also been identified in individuals affected with autosomal dominant dilated cardiomyopathy and/or cardio-related conditions (PMID: 27869827, 32964742, internal data). In summary, the currently available evidence indicates that the variant is pathogenic, but additional data are needed to prove that conclusively. Therefore, this variant has been classified as Likely Pathogenic.

Literature cited by the submitters: PubMed 25589632; PubMed 23975875; PubMed 27869827; PubMed 32964742.

NM_001267550.2(TTN):c.11735_11739del (p.Lys3912fs)

Gene: TTN (titin; minus strand). Cytogenetic location: 2q31.2.
Variant type: Deletion.
Coding change: c.11735_11739del on transcript NM_001267550.2 (MANE Select); coding-DNA positions 11735 to 11739, 5 bases deleted (AAGGA; older notation c.11735_11739delAAGGA).
Protein change: p.Lys3912fs; shifts the reading frame from lysine 3912.
Molecular consequence: frameshift variant. On other transcripts: intron variant (1).
Genome position (GRCh38, 1-based): chr2:178,741,494-178,741,498, TCCTT deleted on the plus strand (AAGGA on the coding strand, the reverse complement: TTN is on the minus strand); deleting any 5 consecutive bases within chr2:178,741,494-178,741,499 gives the same sequence; the c. name uses the placement nearest the transcript's 3' end. VCF-style (leftmost placement, unchanged base first): chr2-178741493-CTCCTT-C. GRCh37 (hg19) VCF-style: chr2-179606220-CTCCTT-C.
Other names: c.10784_10788del, p.Lys3595fs (NM_001256850.1); c.10646_10650del, p.Lys3549fs (NM_003319.4); c.11021_11025del, p.Lys3674fs (NM_133432.3); c.11222_11226del, p.Lys3741fs (NM_133437.4); c.10361-3138_10361-3134del (NM_133378.4); short protein forms K3595fs, K3674fs, K3741fs, K3549fs, K3912fs.
Identifiers: ClinVar variation 4785633 (VCV004785633.1).